The following is an entry in ClinVar:

NM_000352.6(ABCC8):c.579+1G>A

Gene: ABCC8 (ATP binding cassette subfamily C member 8; minus strand). Cytogenetic location: 11p15.1.
Variant type: single nucleotide variant.
Coding change: c.579+1G>A on transcript NM_000352.6 (MANE Select); the canonical splice donor site of the intron after coding-DNA position 579, G replaced by A.
Molecular consequence: splice donor variant.
Genome position (GRCh38, 1-based): chr11:17,463,437, C>T on the plus strand (G>A on the coding strand, the complement: ABCC8 is on the minus strand). VCF-style: chr11-17463437-C-T. GRCh37 (hg19) VCF-style: chr11-17484984-C-T.
Other names: c.579+1G>A (NM_001351297.2, NM_001351296.2, NM_001351295.2 and 1 more transcripts).
Identifiers: ClinVar variation 2821703 (VCV002821703.3), dbSNP rs2496864113, ClinGen allele CA379779848.

ClinVar aggregate classification (germline): Likely pathogenic (1 of 4 stars; one submission).

Allele frequency attached by ClinVar (database versions not stated): gnomAD exomes below 0.00001.
gnomAD v4.1: 1 of 1,602,260 alleles (0.000062%); highest among the groups gnomAD compares: East Asian, 0.0022%; no homozygotes.

Submission:

Labcorp Genetics (formerly Invitae), Labcorp
Classification: Likely pathogenic. Last evaluated: 2022-12-17. Review status: criteria provided, single submitter. Criteria: Invitae Variant Classification Sherloc (09022015). Collection method: clinical testing. Allele origin: germline.
Comment: In summary, the currently available evidence indicates that the variant is pathogenic, but additional data are needed to prove that conclusively. Therefore, this variant has been classified as Likely Pathogenic. Algorithms developed to predict the effect of sequence changes on RNA splicing suggest that this variant may disrupt the consensus splice site. This variant has not been reported in the literature in individuals affected with ABCC8-related conditions. This variant is not present in population databases (gnomAD no frequency). This sequence change affects a donor splice site in intron 4 of the ABCC8 gene. It is expected to disrupt RNA splicing. Variants that disrupt the donor or acceptor splice site typically lead to a loss of protein function (PMID: 16199547), and loss-of-function variants in ABCC8 are known to be pathogenic (PMID: 20685672, 23345197).

Literature cited by the submitters: PubMed 16199547; PubMed 20685672; PubMed 23345197.